The following is an entry in ClinVar:

ClinVar aggregate classification (germline): Uncertain significance. Review status: criteria provided, multiple submitters, no conflicts (2 of 4 stars). 2 submissions from 2 submitters: Uncertain significance (2). Last evaluated 2024-11-13.

Conditions:
Inborn genetic diseases. Identifiers: MedGen C0950123, MeSH D030342.

Allele frequency attached by ClinVar (database versions not stated): gnomAD exomes below 0.00001.
gnomAD v4.1: 1 of 1,614,104 alleles (0.000062%); highest among the groups gnomAD compares: Admixed American, 0.0017%; no homozygotes.

Submissions (2):

Labcorp Genetics (formerly Invitae), Labcorp
Classification: Uncertain significance. Last evaluated: 2024-11-13. Review status: criteria provided, single submitter. Criteria: Invitae Variant Classification Sherloc (09022015). Collection method: clinical testing. Allele origin: germline.
Comment: This sequence change replaces leucine, which is neutral and non-polar, with arginine, which is basic and polar, at codon 4010 of the ANK3 protein (p.Leu4010Arg). This variant is present in population databases (no rsID available, gnomAD 0.003%). This variant has not been reported in the literature in individuals affected with ANK3-related conditions. ClinVar contains an entry for this variant (Variation ID: 2558173). Invitae Evidence Modeling of protein sequence and biophysical properties (such as structural, functional, and spatial information, amino acid conservation, physicochemical variation, residue mobility, and thermodynamic stability) indicates that this missense variant is not expected to disrupt ANK3 protein function with a negative predictive value of 80%. In summary, the available evidence is currently insufficient to determine the role of this variant in disease. Therefore, it has been classified as a Variant of Uncertain Significance.

Ambry Genetics
Classification: Uncertain significance for Inborn genetic diseases. Last evaluated: 2023-06-06. Review status: criteria provided, single submitter. Criteria: Ambry Variant Classification Scheme 2023. Collection method: clinical testing. Allele origin: germline.

NM_020987.5(ANK3):c.12029T>G (p.Leu4010Arg)

Gene: ANK3 (ankyrin 3; minus strand). Cytogenetic location: 10q21.2.
Variant type: single nucleotide variant.
Coding change: c.12029T>G on transcript NM_020987.5 (MANE Select); coding-DNA position 12029, T replaced by G.
Protein change: p.Leu4010Arg; replaces leucine 4010 with arginine.
Molecular consequence: missense variant. On other transcripts: intron variant (4).
Genome position (GRCh38, 1-based): chr10:60,068,852, A>C on the plus strand (T>G on the coding strand, the complement: ANK3 is on the minus strand). VCF-style: chr10-60068852-A-C. GRCh37 (hg19) VCF-style: chr10-61828610-A-C.
Other names: c.4388-843T>G (NM_001204403.2); c.4409-843T>G (NM_001204404.2); c.4406-843T>G (NM_001320874.2); c.1808-843T>G (NM_001149.4); short protein forms L4010R.
Identifiers: ClinVar variation 2558173 (VCV002558173.4), dbSNP rs1356199404, ClinGen allele CA376995432.